The following is an entry in ClinVar:

ClinVar aggregate classification (germline): Benign/Likely benign. Review status: criteria provided, multiple submitters, no conflicts (2 of 4 stars). 3 submissions from 3 submitters: Benign (1); Likely benign (2). Last evaluated 2024-10-23.

Conditions:
Hereditary cancer-predisposing syndrome. Also called: Hereditary Cancer Syndrome; Tumor predisposition; Neoplastic Syndromes, Hereditary; Hereditary neoplastic syndrome. Identifiers: Orphanet 140162, MedGen C0027672, MeSH D009386, MONDO:0015356.
Birt-Hogg-Dube syndrome. Also called: Birt Hogg Dubé syndrome. Identifiers: Orphanet 122, MedGen C0346010, MONDO:0800444.
Birt-Hogg-Dube syndrome 1 (BHD1). Also called: FIBROFOLLICULOMAS WITH TRICHODISCOMAS AND ACROCHORDONS. Identifiers: Orphanet 122, MedGen CN375946, MONDO:0800445, OMIM 135150.

Allele frequency attached by ClinVar (database versions not stated): gnomAD exomes below 0.00001; ExAC 0.00001.
gnomAD v4.1: 1 of 1,613,576 alleles (0.000062%); highest among the groups gnomAD compares: East Asian, 0.0022%; no homozygotes.

Submissions (3):

Myriad Genetics, Inc.
Classification: Benign for Birt-Hogg-Dube syndrome 1. Last evaluated: 2024-10-23. Review status: criteria provided, single submitter. Criteria: Myriad Autosomal Dominant, Autosomal Recessive and X-Linked Classification Criteria (2023). Collection method: clinical testing. Allele origin: unknown.
Comment: This variant is considered benign. This variant is a silent/synonymous amino acid change and it is not expected to impact splicing.

Labcorp Genetics (formerly Invitae), Labcorp
Classification: Likely benign for Birt-Hogg-Dube syndrome. Last evaluated: 2023-12-09. Review status: criteria provided, single submitter. Criteria: Invitae Variant Classification Sherloc (09022015). Collection method: clinical testing. Allele origin: germline.

Ambry Genetics
Classification: Likely benign for Hereditary cancer-predisposing syndrome. Last evaluated: 2023-11-29. Review status: criteria provided, single submitter. Criteria: Ambry Variant Classification Scheme 2023. Collection method: clinical testing. Allele origin: germline.

NM_144997.7(FLCN):c.567G>A (p.Leu189=)

Gene: FLCN (folliculin; minus strand). Cytogenetic location: 17p11.2.
Variant type: single nucleotide variant.
Coding change: c.567G>A on transcript NM_144997.7 (MANE Select); coding-DNA position 567, G replaced by A.
Protein change: p.Leu189=; no amino-acid change (leucine 189 retained).
Molecular consequence: synonymous variant.
Genome position (GRCh38, 1-based): chr17:17,223,973, C>T on the plus strand (G>A on the coding strand, the complement: FLCN is on the minus strand). VCF-style: chr17-17223973-C-T. GRCh37 (hg19) VCF-style: chr17-17127287-C-T.
Other names: c.567G>A (NM_144997.5); c.621G>A, p.Leu207= (NM_001353229.2); c.567G>A, p.Leu189= (NM_001353230.2, NM_001353231.2, NM_144606.7).
Identifiers: ClinVar variation 1633661 (VCV001633661.10), dbSNP rs755278796, ClinGen allele CA8416381.
Genomic context (GRCh38, chr17:17,223,973, plus strand): 5'-TGAATTCACCTTGAGCGCCTTGCCCTGGAGCTCATCGATGATTCCCCGGACCTTCCCCAG[C>T]AGGAAGGGCCAGGAGTTGATGAGGTAGATCCGGTCCATCATGATGGTGATGATGCTGTAC-3'
Protein context (NP_659434.2, residues 179-199): RIYLINSWPF[Leu189=]LGKVRGIIDE